The following is an entry in ClinVar:

ClinVar aggregate classification (germline): Uncertain significance (1 of 4 stars; one submission).

Conditions:
Hereditary cancer-predisposing syndrome. Also called: Neoplastic Syndromes, Hereditary; Tumor predisposition; Hereditary neoplastic syndrome; Hereditary Cancer Syndrome. Identifiers: Orphanet 140162, MedGen C0027672, MeSH D009386, MONDO:0015356.

Submission:

Ambry Genetics
Classification: Uncertain significance for Hereditary cancer-predisposing syndrome. Last evaluated: 2024-06-13. Review status: criteria provided, single submitter. Criteria: Ambry Variant Classification Scheme 2023. Collection method: clinical testing. Allele origin: germline.
Comment: The p.P23Q variant (also known as c.68C>A), located in coding exon 3 of the SMARCE1 gene, results from a C to A substitution at nucleotide position 68. The proline at codon 23 is replaced by glutamine, an amino acid with similar properties. This amino acid position is conserved. In addition, this alteration is predicted to be tolerated by in silico analysis. Based on the available evidence, the clinical significance of this variant remains unclear.

NM_003079.5(SMARCE1):c.68C>A (p.Pro23Gln)

Gene: SMARCE1 (SWI/SNF related BAF chromatin remodeling complex subunit E1; minus strand). Cytogenetic location: 17q21.2.
Variant type: single nucleotide variant.
Coding change: c.68C>A on transcript NM_003079.5 (MANE Select); coding-DNA position 68, C replaced by A.
Protein change: p.Pro23Gln; replaces proline 23 with glutamine.
Molecular consequence: missense variant.
Genome position (GRCh38, 1-based): chr17:40,642,543, G>T on the plus strand (C>A on the coding strand, the complement: SMARCE1 is on the minus strand). VCF-style: chr17-40642543-G-T. GRCh37 (hg19) VCF-style: chr17-38798795-G-T.
Other names: short protein forms P23Q.
Identifiers: ClinVar variation 3320863 (VCV003320863.1).